The following is an entry in ClinVar:

NM_020778.5(ALPK3):c.667C>G (p.Arg223Gly)

Gene: ALPK3 (alpha kinase 3; plus strand). Cytogenetic location: 15q25.3.
Variant type: single nucleotide variant.
Coding change: c.667C>G on transcript NM_020778.5 (MANE Select); coding-DNA position 667, C replaced by G.
Protein change: p.Arg223Gly; replaces arginine 223 with glycine.
Molecular consequence: missense variant.
Genome position (GRCh38, 1-based): chr15:84,839,946, C>G. VCF-style: chr15-84839946-C-G. GRCh37 (hg19) VCF-style: chr15-85383177-C-G.
Other names: short protein forms R223G.
Identifiers: ClinVar variation 5021508 (VCV005021508.1).
Genomic context (GRCh38, chr15:84,839,946, plus strand): 5'-GAGAAGGCGGTGCCTGGGGAGGTCGACACTCTGCGCAAGCTCAGCCCCGACCGCTTCCAG[C>G]GAAAGCGGCGATTGAGCGGGGCTCAAGCGCCGGGCCCCTCGGTCCCTACCAGGGAGCCTG-3'
Protein context (NP_065829.4, residues 213-233): LRKLSPDRFQ[Arg223Gly]KRRLSGAQAP

ClinVar aggregate classification (germline): Uncertain significance (1 of 4 stars; one submission).

Conditions:
Cardiovascular phenotype. Identifiers: MedGen CN230736.

Submission:

Ambry Genetics
Classification: Uncertain significance for Cardiovascular phenotype. Last evaluated: 2026-08-29. Review status: criteria provided, single submitter. Criteria: Ambry Variant Classification Scheme 2023. Collection method: clinical testing. Allele origin: germline.
Comment: The p.R425G variant (also known as c.1273C>G), located in coding exon 5 of the ALPK3 gene, results from a C to G substitution at nucleotide position 1273. The arginine at codon 425 is replaced by glycine, an amino acid with dissimilar properties. This amino acid position is conserved. In addition, the in silico prediction for this alteration is inconclusive. Based on the available evidence, the clinical significance of this variant remains unclear.